The following is an entry in ClinVar:

NM_000069.3(CACNA1S):c.3063C>T (p.Tyr1021=)

Gene: CACNA1S (calcium voltage-gated channel subunit alpha1 S; minus strand). Cytogenetic location: 1q32.1.
Variant type: single nucleotide variant.
Coding change: c.3063C>T on transcript NM_000069.3 (MANE Select); coding-DNA position 3063, C replaced by T.
Protein change: p.Tyr1021=; no amino-acid change (tyrosine 1021 retained).
Molecular consequence: synonymous variant.
Genome position (GRCh38, 1-based): chr1:201,061,459, G>A on the plus strand (C>T on the coding strand, the complement: CACNA1S is on the minus strand). VCF-style: chr1-201061459-G-A. GRCh37 (hg19) VCF-style: chr1-201030587-G-A.
Identifiers: ClinVar variation 3071632 (VCV003071632.1), dbSNP rs2464498253, ClinGen allele CA422720374.
Genomic context (GRCh38, chr1:201,061,459, plus strand): 5'-CATCTCCACACGGTTGTTGTAGATGGGACCCACGTCCTCCGCATTGGAGTCTATGGCCTT[G>A]TACAGCAGCCTGGGGGTGGGCAGAGAAGAGAGGACAGACTGGGTGGGGTGACAAGGCAGA-3'
Protein context (NP_000060.2, residues 1011-1031): STFEGWPQLL[Tyr1021=]KAIDSNAEDV

ClinVar aggregate classification (germline): Likely benign (1 of 4 stars; one submission).

Conditions:
Malignant hyperthermia, susceptibility to, 5 (MHS5). Also called: CACNA1S-Related Malignant Hyperthermia Susceptibility. Identifiers: Orphanet 423, MedGen C1866077, MONDO:0011163, OMIM 601887.

Submission:

All of Us Research Program, National Institutes of Health
Classification: Likely benign for Malignant hyperthermia, susceptibility to, 5. Last evaluated: 2023-06-08. Review status: criteria provided, single submitter. Criteria: ACMG Guidelines, 2015. Collection method: clinical testing. Allele origin: germline. Inheritance: Autosomal dominant inheritance. Observed: 1 variant allele, 1 heterozygote.
Comment: This study involves interpretation of variants in research participants for the purpose of population health screening. Participant phenotype was not available at the time of variant classification. Additional details can be found in publication PMID: 35346344, PMCID: PMC8962531